The following is an entry in ClinVar:

ClinVar aggregate classification (germline): Uncertain significance (1 of 4 stars; one submission).

Submission:

GeneDx
Classification: Uncertain significance. Last evaluated: 2021-01-12. Review status: criteria provided, single submitter. Criteria: GeneDx Variant Classification Process June 2021. Collection method: clinical testing. Allele origin: germline. Affected: yes.
Comment: Not observed in large population cohorts (Lek et al., 2016); In silico analysis supports a deleterious effect on splicing; In silico analysis supports that this missense variant does not alter protein structure/function; Has not been previously published as pathogenic or benign to our knowledge

NM_001382391.1(CSPP1):c.1976C>G (p.Thr659Ser)

Gene: CSPP1 (centrosome and spindle pole associated protein 1; plus strand). Cytogenetic location: 8q13.2.
Variant type: single nucleotide variant.
Coding change: c.1976C>G on transcript NM_001382391.1 (MANE Select); coding-DNA position 1976, C replaced by G.
Protein change: p.Thr659Ser; replaces threonine 659 with serine.
Molecular consequence: missense variant. On other transcripts: intron variant (3).
Genome position (GRCh38, 1-based): chr8:67,149,783, C>G. VCF-style: chr8-67149783-C-G. GRCh37 (hg19) VCF-style: chr8-68062018-C-G.
Other names: c.1961C>G, p.Thr654Ser (NM_024790.7); c.1934-4241C>G (NM_001363132.2); c.1853-4241C>G (NM_001363133.2); c.1079-4241C>G (NM_001291339.2); c.1895C>G, p.Thr632Ser (NM_001363131.2); c.2042C>G, p.Thr681Ser (NM_001364869.1); c.1862C>G, p.Thr621Ser (NM_001364870.1); short protein forms T621S, T632S, T654S, T659S, T681S.
Identifiers: ClinVar variation 1313872 (VCV001313872.2), dbSNP rs2129557976, ClinGen allele CA371185985.